The following is an entry in ClinVar:

NM_000059.4(BRCA2):c.1159G>T (p.Val387Phe)

Gene: BRCA2 (BRCA2 DNA repair associated; plus strand). Cytogenetic location: 13q13.1.
Variant type: single nucleotide variant.
Coding change: c.1159G>T on transcript NM_000059.4 (MANE Select); coding-DNA position 1159, G replaced by T.
Protein change: p.Val387Phe; replaces valine 387 with phenylalanine.
Molecular consequence: missense variant.
Genome position (GRCh38, 1-based): chr13:32,332,637, G>T. VCF-style: chr13-32332637-G-T. GRCh37 (hg19) VCF-style: chr13-32906774-G-T.
Other names: short protein forms V387F.
Identifiers: ClinVar variation 225737 (VCV000225737.27), dbSNP rs869320791, ClinGen allele CA10576061.

ClinVar aggregate classification (germline): Conflicting classifications of pathogenicity. Review status: criteria provided, conflicting classifications (1 of 4 stars). 10 submissions from 10 submitters: Uncertain significance (8); Likely benign (2). Last evaluated 2025-12-20.

Conditions:
BRCA2-related cancer predisposition. Identifiers: MedGen CN377758, MONDO:0700269.
BRCA2-related disorder. Also called: BRCA2-related condition; BRCA2-related disorders. Identifiers: MedGen CN239275.
Hereditary cancer-predisposing syndrome. Also called: Hereditary Cancer Syndrome; Tumor predisposition; Hereditary neoplastic syndrome; Neoplastic Syndromes, Hereditary. Identifiers: Orphanet 140162, MedGen C0027672, MeSH D009386, MONDO:0015356.
Hereditary breast ovarian cancer syndrome. Also called: Hereditary breast and ovarian cancer syndrome (HBOC); Hereditary breast and ovarian cancer; BRCA1- and BRCA2-Associated Hereditary Breast and Ovarian Cancer; Hereditary breast and/or ovarian cancer syndrome; Breast and ovarian cancer; Hereditary breast and ovarian cancer syndrome. Identifiers: Orphanet 145, MedGen C0677776, MeSH D061325, MONDO:0003582. Disease mechanism: loss of function.
Breast-ovarian cancer, familial, susceptibility to, 2 (BROVCA2). Also called: BRCA2 Hereditary Breast and Ovarian Cancer. Identifiers: Orphanet 145, MedGen C2675520, MONDO:0012933, OMIM 612555. Disease mechanism: loss of function.
Familial cancer of breast. Also called: Hereditary breast cancer; BREAST CANCER, FAMILIAL; hereditary breast carcinoma. Identifiers: Orphanet 227535, MedGen C0346153, MONDO:0016419, OMIM 114480. Disease mechanism: loss of function.

Allele frequency attached by ClinVar (database versions not stated): gnomAD 0.00001; TOPMed 0.00002; gnomAD exomes 0.00001.
gnomAD v4.1: 10 of 1,613,974 alleles (0.00062%); highest among the groups gnomAD compares: African/African-American, 0.0027%; no homozygotes.

Submissions (10):

Labcorp Genetics (formerly Invitae), Labcorp
Classification: Uncertain significance for Hereditary breast ovarian cancer syndrome. Last evaluated: 2025-12-20. Review status: criteria provided, single submitter. Criteria: Invitae Variant Classification Sherloc (09022015). Collection method: clinical testing. Allele origin: germline.
Comment: This sequence change replaces valine, which is neutral and non-polar, with phenylalanine, which is neutral and non-polar, at codon 387 of the BRCA2 protein (p.Val387Phe). This variant is present in population databases (no rsID available, gnomAD 0.007%). This variant has not been reported in the literature in individuals affected with BRCA2-related conditions. ClinVar contains an entry for this variant (Variation ID: 225737). Invitae Evidence Modeling of protein sequence and biophysical properties (such as structural, functional, and spatial information, amino acid conservation, physicochemical variation, residue mobility, and thermodynamic stability) indicates that this missense variant is not expected to disrupt BRCA2 protein function with a negative predictive value of 95%. In summary, the available evidence is currently insufficient to determine the role of this variant in disease. Therefore, it has been classified as a Variant of Uncertain Significance.

Ambry Genetics
Classification: Uncertain significance for Hereditary cancer-predisposing syndrome. Last evaluated: 2025-09-28. Review status: criteria provided, single submitter. Criteria: Ambry Variant Classification Scheme 2023. Collection method: clinical testing. Allele origin: germline.
Comment: The p.V387F variant (also known as c.1159G>T), located in coding exon 9 of the BRCA2 gene, results from a G to T substitution at nucleotide position 1159. The valine at codon 387 is replaced by phenylalanine, an amino acid with highly similar properties. This amino acid position is not well conserved in available vertebrate species. In addition, this alteration is predicted to be tolerated by in silico analysis. Since supporting evidence is limited at this time, the clinical significance of this alteration remains unclear.

GeneDx
Classification: Uncertain significance. Last evaluated: 2025-03-25. Review status: criteria provided, single submitter. Criteria: GeneDx Variant Classification Process June 2021. Collection method: clinical testing. Allele origin: germline.
Comment: Not observed at significant frequency in large population cohorts (gnomAD); In silico analysis indicates that this missense variant does not alter protein structure/function; Has not been previously published as pathogenic or benign to our knowledge; Also known as 1387G>T

All of Us Research Program, National Institutes of Health
Classification: Uncertain significance for BRCA2-related cancer predisposition. Last evaluated: 2024-03-25. Review status: criteria provided, single submitter. Criteria: ACMG Guidelines, 2015. Collection method: clinical testing. Allele origin: germline. Inheritance: Autosomal dominant inheritance. Observed: 4 variant alleles, 4 heterozygotes.
Comment: This missense variant replaces valine with phenylalanine at codon 387 of the BRCA2 protein. Computational prediction suggests that this variant may not impact protein structure and function (internally defined REVEL score threshold <= 0.5, PMID: 27666373). To our knowledge, functional studies have not been reported for this variant. This variant has not been reported in individuals affected with BRCA2-related disorders in the literature. This variant has been identified in 2/250168 chromosomes in the general population by the Genome Aggregation Database (gnomAD). The available evidence is insufficient to determine the role of this variant in disease conclusively. Therefore, this variant is classified as a Variant of Uncertain Significance.

This study involves interpretation of variants in research participants for the purpose of population health screening. Participant phenotype was not available at the time of variant classification. Additional details can be found in publication PMID: 35346344, PMCID: PMC8962531

MGZ Medical Genetics Center
Classification: Likely benign for Familial cancer of breast. Last evaluated: 2024-02-09. Review status: criteria provided, single submitter. Criteria: CSpec BRCA1/2ACMG Rules Specifications V1.1.0. Collection method: clinical testing. Allele origin: germline. Affected: yes.
Comment: ACMG codes applied following ENIGMA VCEP rules: BP1_STR

Color Diagnostics, LLC DBA Color Health
Classification: Uncertain significance for Hereditary cancer-predisposing syndrome. Last evaluated: 2024-01-31. Review status: criteria provided, single submitter. Criteria: ACMG Guidelines, 2015. Collection method: clinical testing. Allele origin: germline.
Comment: This missense variant replaces valine with phenylalanine at codon 387 of the BRCA2 protein. Computational prediction suggests that this variant may not impact protein structure and function (internally defined REVEL score threshold <= 0.5, PMID: 27666373). To our knowledge, functional studies have not been reported for this variant. This variant has not been reported in individuals affected with BRCA2-related disorders in the literature. This variant has been identified in 2/250168 chromosomes in the general population by the Genome Aggregation Database (gnomAD). The available evidence is insufficient to determine the role of this variant in disease conclusively. Therefore, this variant is classified as a Variant of Uncertain Significance.

PreventionGenetics, part of Exact Sciences
Classification: Uncertain significance for BRCA2-related condition. Last evaluated: 2023-06-08. Review status: criteria provided, single submitter. Criteria: ACMG Guidelines, 2015. Collection method: clinical testing. Allele origin: germline.
Comment: The BRCA2 c.1159G>T variant is predicted to result in the amino acid substitution p.Val387Phe. To our knowledge, this variant has not been reported in the literature. This variant is reported in 0.0064% of alleles in individuals of African descent in gnomAD. In ClinVar, this variant is classified as a variant of uncertain significance by the majority of clinical labs. At this time, the clinical significance of this variant is uncertain due to the absence of conclusive functional and genetic evidence.

University of Washington Department of Laboratory Medicine, University of Washington
Classification: Likely benign for Hereditary cancer-predisposing syndrome. Last evaluated: 2023-03-23. Review status: criteria provided, single submitter. Criteria: Dines et al. (Genet Med. 2020). Collection method: curation. Allele origin: germline.
Comment: Missense variant in a coldspot region where missense variants are very unlikely to be pathogenic (PMID:31911673).

BRCA2 exon 10 coldspot. Reclassification based on statistical prior probability.

Quest Diagnostics Nichols Institute San Juan Capistrano
Classification: Uncertain significance. Last evaluated: 2020-07-10. Review status: criteria provided, single submitter. Criteria: Quest Diagnostics criteria. Collection method: clinical testing. Allele origin: unknown.

Molecular Genetics Laboratory, University of Michigan
Classification: Uncertain significance for Breast-ovarian cancer, familial, susceptibility to, 2. Last evaluated: 2016-04-21. Review status: criteria provided, single submitter. Criteria: ACMG Guidelines, 2015. Collection method: clinical testing. Allele origin: germline. Affected: yes.